The following is an entry in ClinVar:

NM_006231.4(POLE):c.1124G>A (p.Arg375Gln)

Gene: POLE (DNA polymerase epsilon, catalytic subunit; minus strand). Cytogenetic location: 12q24.33.
Variant type: single nucleotide variant.
Coding change: c.1124G>A on transcript NM_006231.4 (MANE Select); coding-DNA position 1124, G replaced by A.
Protein change: p.Arg375Gln; replaces arginine 375 with glutamine.
Molecular consequence: missense variant.
Genome position (GRCh38, 1-based): chr12:132,675,500, C>T on the plus strand (G>A on the coding strand, the complement: POLE is on the minus strand). VCF-style: chr12-132675500-C-T. GRCh37 (hg19) VCF-style: chr12-133252086-C-T.
Other names: short protein forms R375Q.
Identifiers: ClinVar variation 540681 (VCV000540681.14), dbSNP rs778572159, ClinGen allele CA6894064.

ClinVar aggregate classification (germline): Uncertain significance. Review status: criteria provided, multiple submitters, no conflicts (2 of 4 stars). 4 submissions from 4 submitters: Uncertain significance (4). Last evaluated 2026-01-13.

Conditions:
Hereditary cancer-predisposing syndrome. Also called: Tumor predisposition; Hereditary Cancer Syndrome; Neoplastic Syndromes, Hereditary; Hereditary neoplastic syndrome. Identifiers: Orphanet 140162, MedGen C0027672, MeSH D009386, MONDO:0015356.
Colorectal cancer, susceptibility to, 12 (CRCS12). Also called: COLORECTAL CANCER, SUSCEPTIBILITY TO, ON CHROMOSOME 12q24. Identifiers: Orphanet 220460, MedGen C3554460, MONDO:0014038, OMIM 615083.

Allele frequency attached by ClinVar (database versions not stated): gnomAD exomes below 0.00001; ExAC 0.00001; gnomAD 0.00001; TOPMed 0.00001.
gnomAD v4.1: 6 of 1,613,954 alleles (0.00037%); highest among the groups gnomAD compares: African/African-American, 0.0013%; no homozygotes.

Submissions (4):

Ambry Genetics
Classification: Uncertain significance for Hereditary cancer-predisposing syndrome. Last evaluated: 2026-01-13. Review status: criteria provided, single submitter. Criteria: Ambry Variant Classification Scheme 2023. Collection method: clinical testing. Allele origin: germline.
Comment: The p.R375Q variant (also known as c.1124G>A), located in coding exon 12 of the POLE gene, results from a G to A substitution at nucleotide position 1124. The arginine at codon 375 is replaced by glutamine, an amino acid with highly similar properties. This amino acid position is highly conserved in available vertebrate species. In addition, the in silico prediction for this alteration is inconclusive. Based on the available evidence, the clinical significance of this variant remains unclear.

Labcorp Genetics (formerly Invitae), Labcorp
Classification: Uncertain significance. Last evaluated: 2026-01-08. Review status: criteria provided, single submitter. Criteria: Invitae Variant Classification Sherloc (09022015). Collection method: clinical testing. Allele origin: germline.
Comment: This sequence change replaces arginine, which is basic and polar, with glutamine, which is neutral and polar, at codon 375 of the POLE protein (p.Arg375Gln). This variant is present in population databases (rs778572159, gnomAD 0.003%). This variant has not been reported in the literature in individuals affected with POLE-related conditions. ClinVar contains an entry for this variant (Variation ID: 540681). Invitae Evidence Modeling of protein sequence and biophysical properties (such as structural, functional, and spatial information, amino acid conservation, physicochemical variation, residue mobility, and thermodynamic stability) indicates that this missense variant is expected to disrupt POLE protein function with a positive predictive value of 80%. In summary, the available evidence is currently insufficient to determine the role of this variant in disease. Therefore, it has been classified as a Variant of Uncertain Significance.

Baylor Genetics
Classification: Uncertain significance for Colorectal cancer, susceptibility to, 12. Last evaluated: 2023-10-03. Review status: criteria provided, single submitter. Criteria: ACMG Guidelines, 2015. Collection method: clinical testing. Allele origin: unknown.

GeneDx
Classification: Uncertain significance. Last evaluated: 2022-08-23. Review status: criteria provided, single submitter. Criteria: GeneDx Variant Classification Process June 2021. Collection method: clinical testing. Allele origin: germline. Affected: yes.
Comment: Not observed at significant frequency in large population cohorts (gnomAD); In silico analysis supports that this missense variant has a deleterious effect on protein structure/function; Has not been previously published as pathogenic or benign to our knowledge; This variant is associated with the following publications: (PMID: 20951805)